The following is an entry in ClinVar:

NM_001853.4(COL9A3):c.398G>A (p.Gly133Asp)

Gene: COL9A3 (collagen type IX alpha 3 chain; plus strand). Cytogenetic location: 20q13.33.
Variant type: single nucleotide variant.
Coding change: c.398G>A on transcript NM_001853.4 (MANE Select); coding-DNA position 398, G replaced by A.
Protein change: p.Gly133Asp; replaces glycine 133 with aspartic acid.
Molecular consequence: missense variant.
Genome position (GRCh38, 1-based): chr20:62,821,785, G>A. VCF-style: chr20-62821785-G-A. GRCh37 (hg19) VCF-style: chr20-61453137-G-A.
Other names: short protein forms G133D.
Identifiers: ClinVar variation 3704909 (VCV003704909.2).

ClinVar aggregate classification (germline): Uncertain significance (1 of 4 stars; one submission).

Submission:

Labcorp Genetics (formerly Invitae), Labcorp
Classification: Uncertain significance. Last evaluated: 2024-05-22. Review status: criteria provided, single submitter. Criteria: Invitae Variant Classification Sherloc (09022015). Collection method: clinical testing. Allele origin: germline.
Comment: This sequence change replaces glycine, which is neutral and non-polar, with aspartic acid, which is acidic and polar, at codon 133 of the COL9A3 protein (p.Gly133Asp). This variant is not present in population databases (gnomAD no frequency). This variant has not been reported in the literature in individuals affected with COL9A3-related conditions. Advanced modeling of protein sequence and biophysical properties (such as structural, functional, and spatial information, amino acid conservation, physicochemical variation, residue mobility, and thermodynamic stability) performed at Invitae indicates that this missense variant is expected to disrupt COL9A3 protein function with a positive predictive value of 95%. In summary, the available evidence is currently insufficient to determine the role of this variant in disease. Therefore, it has been classified as a Variant of Uncertain Significance.